The following is an entry in ClinVar:

NM_005883.3(APC2):c.6521C>A (p.Pro2174His)

Gene: APC2 (APC regulator of WNT signaling pathway 2; plus strand). Cytogenetic location: 19p13.3.
Variant type: single nucleotide variant.
Coding change: c.6521C>A on transcript NM_005883.3 (MANE Select); coding-DNA position 6521, C replaced by A.
Protein change: p.Pro2174His; replaces proline 2174 with histidine.
Molecular consequence: missense variant.
Genome position (GRCh38, 1-based): chr19:1,469,822, C>A. VCF-style: chr19-1469822-C-A. GRCh37 (hg19) VCF-style: chr19-1469821-C-A.
Other names: c.6518C>A, p.Pro2173His (NM_001351273.1); short protein forms P2173H, P2174H.
Identifiers: ClinVar variation 3900234 (VCV003900234.1).

ClinVar aggregate classification (germline): Uncertain significance (1 of 4 stars; one submission).

gnomAD v4.1: 62 of 1,521,448 alleles (0.0041%); highest among the groups gnomAD compares: African/African-American, 0.087%; no homozygotes.

Submission:

GeneDx
Classification: Uncertain significance. Last evaluated: 2024-11-18. Review status: criteria provided, single submitter. Criteria: GeneDx Variant Classification Process June 2021. Collection method: clinical testing. Allele origin: germline. Affected: yes.
Comment: In silico analysis indicates that this missense variant does not alter protein structure/function; Has not been previously published as pathogenic or benign to our knowledge